The following is an entry in ClinVar:

NM_006231.4(POLE):c.5707C>T (p.Leu1903=)

Gene: POLE (DNA polymerase epsilon, catalytic subunit; minus strand). Cytogenetic location: 12q24.33.
Variant type: single nucleotide variant.
Coding change: c.5707C>T on transcript NM_006231.4 (MANE Select); coding-DNA position 5707, C replaced by T.
Protein change: p.Leu1903=; no amino-acid change (leucine 1903 retained).
Molecular consequence: synonymous variant.
Genome position (GRCh38, 1-based): chr12:132,635,996, G>A on the plus strand (C>T on the coding strand, the complement: POLE is on the minus strand). VCF-style: chr12-132635996-G-A. GRCh37 (hg19) VCF-style: chr12-133212582-G-A.
Other names: p.Leu1903=.
Identifiers: ClinVar variation 380216 (VCV000380216.28), dbSNP rs5744990, ClinGen allele CA6892413.

ClinVar aggregate classification (germline): Benign/Likely benign. Review status: criteria provided, multiple submitters, no conflicts (2 of 4 stars). 13 submissions from 13 submitters: Benign (10); Likely benign (1). 2 of the submissions do not count toward it. Last evaluated 2026-02-04.

Conditions:
Intrauterine growth retardation, metaphyseal dysplasia, adrenal hypoplasia congenita, genital anomalies, and immunodeficiency. Also called: IMAGEI SYNDROME. Identifiers: MedGen C5193036, MONDO:0032684, OMIM 618336.
Facial dysmorphism-immunodeficiency-livedo-short stature syndrome. Also called: Facial dysmorphism, immunodeficiency, livedo, and short stature; FILS syndrome. Identifiers: Orphanet 352712, MedGen C3554576, MONDO:0014058, OMIM 615139.
Colorectal cancer, susceptibility to, 12 (CRCS12). Also called: COLORECTAL CANCER, SUSCEPTIBILITY TO, ON CHROMOSOME 12q24. Identifiers: Orphanet 220460, MedGen C3554460, MONDO:0014038, OMIM 615083.
Hereditary cancer-predisposing syndrome. Also called: Tumor predisposition; Neoplastic Syndromes, Hereditary; Hereditary neoplastic syndrome; Hereditary Cancer Syndrome. Identifiers: Orphanet 140162, MedGen C0027672, MeSH D009386, MONDO:0015356.

Allele frequency attached by ClinVar (database versions not stated): 1000 Genomes Project 30x 0.13320; 1000 Genomes Project 0.13399; gnomAD 0.15256 and 0.15505; ExAC 0.15311; gnomAD exomes 0.15444 and 0.15466; ESP Exome Variant Server 0.15516; TOPMed 0.15571.
gnomAD v4.1: 248,941 of 1,613,292 alleles (15%); highest among the groups gnomAD compares: Admixed American, 21%; 19,799 homozygotes.

Submissions (13):

Labcorp Genetics (formerly Invitae), Labcorp
Classification: Benign. Last evaluated: 2026-02-04. Review status: criteria provided, single submitter. Criteria: Invitae Variant Classification Sherloc (09022015). Collection method: clinical testing. Allele origin: germline.

Blueprint Genetics
Classification: Likely benign. Last evaluated: 2024-11-27. Review status: criteria provided, single submitter. Criteria: ACMG Guidelines, 2015. Collection method: clinical testing. Allele origin: germline.

KCCC/NGS Laboratory, Kuwait Cancer Control Center
Classification: Benign for Colorectal cancer, susceptibility to, 12. Last evaluated: 2023-07-07. Review status: criteria provided, single submitter. Criteria: ACMG Guidelines, 2015. Collection method: clinical testing. Allele origin: germline. Affected: yes.

Mayo Clinic Laboratories, Mayo Clinic
Classification: Benign. Last evaluated: 2022-04-26. Review status: criteria provided, single submitter. Criteria: ACMG Guidelines, 2015. Collection method: clinical testing. Allele origin: germline. Observed: 215 variant alleles.

Department of Pathology and Laboratory Medicine, Sinai Health System
Classification: Benign for Colorectal cancer, susceptibility to, 12; Facial dysmorphism-immunodeficiency-livedo-short stature syndrome; Intrauterine growth retardation, metaphyseal dysplasia, adrenal hypoplasia congenita, genital anomalies, and immunodeficiency. Last evaluated: 2020-07-16. Review status: criteria provided, single submitter. Criteria: ACMG Guidelines, 2015. Collection method: clinical testing. Allele origin: germline.

PreventionGenetics, part of Exact Sciences
Classification: Benign. Last evaluated: 2016-10-03. Review status: criteria provided, single submitter. Criteria: ACMG Guidelines, 2015. Collection method: clinical testing. Allele origin: germline.

Women's Health and Genetics/Laboratory Corporation of America, LabCorp
Classification: Benign. Last evaluated: 2016-05-19. Review status: criteria provided, single submitter. Criteria: LabCorp Variant Classification Summary - May 2015. Collection method: clinical testing. Allele origin: germline.
Comment: Variant summary: The POLE c.5707C>T (p.Leu1903Leu) variant involves the alteration of a non-conserved nucleotide, resulting in a synonymous change. One in silico tool predicts a polymorphism outcome for this variant. 5/5 splice prediction tools predict no significant impact on normal splicing. ESE finder predicts that this variant may affect ESE sites. However, these predictions have yet to be confirmed by functional studies. This variant was found in 18491/120772 control chromosomes (1507 homozygotes) at a frequency of 0.1531067, which is approximately 10779 times the estimated maximal expected allele frequency of a pathogenic POLE variant (0.0000142), suggesting this variant is likely a benign polymorphism. Taken together, this variant is classified as benign.

Laboratory for Molecular Medicine, Mass General Brigham Personalized Medicine
Classification: Benign. Last evaluated: 2016-03-29. Review status: criteria provided, single submitter. Criteria: LMM Criteria. Collection method: clinical testing. Allele origin: germline.
Comment: Variant identified in a genome or exome case(s) and assessed due to predicted null impact of the variant or pathogenic assertions in the literature or databases. Disclaimer: This variant has not undergone full assessment. The following are preliminary notes: Frequency

GeneDx
Classification: Benign. Last evaluated: 2015-11-06. Review status: criteria provided, single submitter. Criteria: GeneDx Variant Classification (06012015). Collection method: clinical testing. Allele origin: germline. Affected: yes.
Comment: This variant is considered likely benign or benign based on one or more of the following criteria: it is a conservative change, it occurs at a poorly conserved position in the protein, it is predicted to be benign by multiple in silico algorithms, and/or has population frequency not consistent with disease.

Ambry Genetics
Classification: Benign for Hereditary cancer-predisposing syndrome. Last evaluated: 2015-05-20. Review status: criteria provided, single submitter. Criteria: Ambry Variant Classification Scheme 2023. Collection method: clinical testing. Allele origin: germline.

Breakthrough Genomics
Classification: Benign. Review status: criteria provided, single submitter. Criteria: ACMG Guidelines, 2015. Collection method: not provided. Allele origin: germline. Inheritance: Autosomal recessive inheritance. Affected: yes.

Clinical Genetics, Academic Medical Center
Classification: Benign. Review status: no assertion criteria provided. Collection method: clinical testing. Allele origin: germline. Affected: yes. Study: VKGL Data-share Consensus. Not counted in ClinVar's aggregate classification.

Joint Genome Diagnostic Labs from Nijmegen and Maastricht, Radboudumc and MUMC+
Classification: Benign. Review status: no assertion criteria provided. Collection method: clinical testing. Allele origin: germline. Affected: yes. Study: VKGL Data-share Consensus. Not counted in ClinVar's aggregate classification.